The following is an entry in ClinVar:

NM_000535.7(PMS2):c.707_709del (p.Leu236_Gln237delinsTer)

Gene: PMS2 (PMS1 homolog 2, mismatch repair system component; minus strand). Cytogenetic location: 7p22.1.
Variant type: Deletion.
Coding change: c.707_709del on transcript NM_000535.7 (MANE Select); coding-DNA positions 707 to 709, 3 bases deleted (TGC; older notation c.707_709delTGC).
Protein change: p.Leu236_Gln237delinsTer.
Molecular consequence: nonsense. On other transcripts: 5 prime UTR variant (2), inframe indel (1), non-coding transcript variant (1).
Genome position (GRCh38, 1-based): chr7:5,997,420-5,997,422, GCA deleted on the plus strand (TGC on the coding strand, the reverse complement: PMS2 is on the minus strand). VCF-style (leftmost placement, unchanged base first): chr7-5997419-TGCA-T. GRCh37 (hg19) VCF-style: chr7-6037050-TGCA-T.
Other names: c.302_304delTGC, p.Leu101_Leu436delinsTer (NM_001018040.1, NM_001406887.1, NM_001406888.1 and 13 more transcripts); c.302_304del, p.Leu101_Gln102delinsTer (NM_001322003.2, NM_001322004.2, NM_001322005.2 and 2 more transcripts); c.707_709del, p.Leu236_Gln237delinsTer (NM_001322006.2, NM_001322014.2); c.389_391del, p.Leu130_Gln131delinsTer (NM_001322007.2, NM_001322008.2); c.-227_-225del (NM_001322011.2, NM_001322012.2); c.134_136del, p.Leu45_Gln46delinsTer (NM_001322013.2); c.398_400del, p.Leu133_Gln134delinsTer (NM_001322015.2); c.893_895delTGC, p.Leu298_Leu633delinsTer (NM_001406866.1); and 15 more.
Identifiers: ClinVar variation 1757005 (VCV001757005.2), dbSNP rs2536232466, ClinGen allele CA2580076869.

ClinVar aggregate classification (germline): Pathogenic (1 of 4 stars; one submission).

Conditions:
Hereditary cancer-predisposing syndrome. Also called: Neoplastic Syndromes, Hereditary; Tumor predisposition; Hereditary Cancer Syndrome; Hereditary neoplastic syndrome. Identifiers: Orphanet 140162, MedGen C0027672, MeSH D009386, MONDO:0015356.

Submission:

Ambry Genetics
Classification: Pathogenic for Hereditary cancer-predisposing syndrome. Last evaluated: 2020-03-02. Review status: criteria provided, single submitter. Criteria: Ambry Variant Classification Scheme 2023. Collection method: clinical testing. Allele origin: germline.
Comment: The c.707_709delTGC pathogenic mutation (also known as p.L236*) is located in coding exon 7 of the PMS2 gene. This pathogenic mutation results from an in-frame TGC deletion at nucleotide positions 707 to 709. This changes the amino acid from a leucine to a stop codon within coding exon 7.This alteration is expected to result in loss of function by premature protein truncation or nonsense-mediated mRNA decay. As such, this alteration is interpreted as a disease-causing mutation.